The following is an entry in ClinVar:

NM_001372.4(DNAH9):c.3041C>T (p.Ser1014Leu)

Genes: DNAH9 (dynein axonemal heavy chain 9; plus strand), LOC126862505 (BRD4-independent group 4 enhancer GRCh37_chr17:11572478-11573677; plus strand). Cytogenetic location: 17p12.
Variant type: single nucleotide variant.
Coding change: c.3041C>T on transcript NM_001372.4 (MANE Select); coding-DNA position 3041, C replaced by T.
Protein change: p.Ser1014Leu; replaces serine 1014 with leucine.
Molecular consequence: missense variant.
Genome position (GRCh38, 1-based): chr17:11,669,482, C>T. VCF-style: chr17-11669482-C-T. GRCh37 (hg19) VCF-style: chr17-11572799-C-T.
Other names: short protein forms S1014L.
Identifiers: ClinVar variation 1475382 (VCV001475382.3), dbSNP rs199850591, ClinGen allele CA8395351.

ClinVar aggregate classification (germline): Uncertain significance (1 of 4 stars; one submission).

Allele frequency attached by ClinVar (database versions not stated): ExAC 0.00005; gnomAD exomes 0.00005 and 0.00009; TOPMed 0.00006; gnomAD 0.00007 and 0.00008.
gnomAD v4.1: 149 of 1,614,008 alleles (0.0092%); highest among the groups gnomAD compares: Non-Finnish European, 0.011%; no homozygotes.

Submission:

Labcorp Genetics (formerly Invitae), Labcorp
Classification: Uncertain significance. Last evaluated: 2021-10-14. Review status: criteria provided, single submitter. Criteria: Invitae Variant Classification Sherloc (09022015). Collection method: clinical testing. Allele origin: germline.
Comment: This sequence change replaces serine with leucine at codon 1014 of the DNAH9 protein (p.Ser1014Leu). The serine residue is weakly conserved and there is a large physicochemical difference between serine and leucine. This variant is present in population databases (rs199850591, ExAC 0.009%). This variant has not been reported in the literature in individuals affected with DNAH9-related conditions. Algorithms developed to predict the effect of missense changes on protein structure and function are either unavailable or do not agree on the potential impact of this missense change (SIFT: "Deleterious"; PolyPhen-2: "Benign"; Align-GVGD: "Class C0"). In summary, the available evidence is currently insufficient to determine the role of this variant in disease. Therefore, it has been classified as a Variant of Uncertain Significance.